The following is an entry in ClinVar:

NM_022114.4(PRDM16):c.3697-137_3697-107del

Gene: PRDM16 (PR/SET domain 16; plus strand). Cytogenetic location: 1p36.32.
Variant type: Deletion.
Coding change: c.3697-137_3697-107del on transcript NM_022114.4 (MANE Select); 137 bases into the intron before coding-DNA position 3697 through 107 bases into the intron before coding-DNA position 3697, 31 bases deleted.
Molecular consequence: intron variant.
Genome position (GRCh38, 1-based): chr1:3,433,540-3,433,570, 31 bases deleted. GRCh37 (hg19): chr1:3,350,104-3,350,134.
Other names: c.3697-194_3697-164del (NM_199454.3).
Identifiers: ClinVar variation 674847 (VCV000674847.1), dbSNP rs1557674940, ClinGen allele CA521015599.
Genomic context (GRCh38, chr1:3,433,539, plus strand): 5'-TCTGCTGCCTGTCTGGGATGGCCCGCCCTGCCCACGCGCTCACCTGCCTGTCTGGGATGG[CCCGCCCTGCCCACGCGCTCACCTGCCTGTCT>C]GGGATGGCCCGCCCTGCCCACGCGCTCACCTGCCTGTCTGGGATGGCCCGCCCTGCCCAC-3'

ClinVar aggregate classification (germline): Benign (1 of 4 stars; one submission).

Allele frequency attached by ClinVar (database versions not stated): gnomAD 0.07053 and 0.07225; gnomAD exomes 0.10473.

Submission:

GeneDx
Classification: Benign. Last evaluated: 2018-06-14. Review status: criteria provided, single submitter. Criteria: GeneDx Variant Classification (06012015). Collection method: clinical testing. Allele origin: germline. Affected: yes.
Comment: This variant is considered likely benign or benign based on one or more of the following criteria: it is a conservative change, it occurs at a poorly conserved position in the protein, it is predicted to be benign by multiple in silico algorithms, and/or has population frequency not consistent with disease.